The following is an entry in ClinVar:

NM_000051.4(ATM):c.1387G>A (p.Ala463Thr)

Gene: ATM (ATM serine/threonine kinase; plus strand). Cytogenetic location: 11q22.3.
Variant type: single nucleotide variant.
Coding change: c.1387G>A on transcript NM_000051.4 (MANE Select); coding-DNA position 1387, G replaced by A.
Protein change: p.Ala463Thr; replaces alanine 463 with threonine.
Molecular consequence: missense variant.
Genome position (GRCh38, 1-based): chr11:108,250,852, G>A. VCF-style: chr11-108250852-G-A. GRCh37 (hg19) VCF-style: chr11-108121579-G-A.
Other names: c.1387G>A, p.Ala463Thr (NM_001351834.2); short protein forms A463T.
Identifiers: ClinVar variation 629067 (VCV000629067.19), dbSNP rs1565382695, ClinGen allele CA382533885.
Genomic context (GRCh38, chr11:108,250,852, plus strand): 5'-CTACCCCAACAGCGACATGGGGAACGTACACCATATGTGTTACGATGCCTTACGGAAGTT[G>A]CATTGTGTCAAGACAAGAGGTCAAACCTAGAAAGCTCACAAAAGTCAGATTTATTAAAAC-3'
Protein context (NP_000042.3, residues 453-473): PYVLRCLTEV[Ala463Thr]LCQDKRSNLE

ClinVar aggregate classification (germline): Uncertain significance. Review status: criteria provided, multiple submitters, no conflicts (2 of 4 stars). 4 submissions from 4 submitters: Uncertain significance (3). 1 of the submissions does not count toward it. Last evaluated 2025-12-11.

Conditions:
Ataxia-telangiectasia syndrome (AT). Also called: ATAXIA-TELANGIECTASIA, COMPLEMENTATION GROUP A; ATAXIA-TELANGIECTASIA, FRESNO VARIANT; LOUIS-BAR SYNDROME; Ataxia telangiectasia (A-T); Cerebello-oculocutaneous telangiectasia; Immunodeficiency with ataxia telangiectasia. Identifiers: Orphanet 100, MedGen C0004135, MONDO:0008840, OMIM 208900.
Hereditary cancer-predisposing syndrome. Also called: Tumor predisposition; Neoplastic Syndromes, Hereditary; Hereditary Cancer Syndrome; Hereditary neoplastic syndrome. Identifiers: Orphanet 140162, MedGen C0027672, MeSH D009386, MONDO:0015356.

Submissions (4):

Labcorp Genetics (formerly Invitae), Labcorp
Classification: Uncertain significance for Ataxia-telangiectasia syndrome. Last evaluated: 2025-12-11. Review status: criteria provided, single submitter. Criteria: Invitae Variant Classification Sherloc (09022015). Collection method: clinical testing. Allele origin: germline.
Comment: This sequence change replaces alanine, which is neutral and non-polar, with threonine, which is neutral and polar, at codon 463 of the ATM protein (p.Ala463Thr). This variant is not present in population databases (gnomAD no frequency). This variant has not been reported in the literature in individuals affected with ATM-related conditions. ClinVar contains an entry for this variant (Variation ID: 629067). Invitae Evidence Modeling of protein sequence and biophysical properties (such as structural, functional, and spatial information, amino acid conservation, physicochemical variation, residue mobility, and thermodynamic stability) indicates that this missense variant is not expected to disrupt ATM protein function with a negative predictive value of 95%. In summary, the available evidence is currently insufficient to determine the role of this variant in disease. Therefore, it has been classified as a Variant of Uncertain Significance.

Color Diagnostics, LLC DBA Color Health
Classification: Uncertain significance for Hereditary cancer-predisposing syndrome. Last evaluated: 2024-03-06. Review status: criteria provided, single submitter. Criteria: ACMG Guidelines, 2015. Collection method: clinical testing. Allele origin: germline.
Comment: This missense variant replaces alanine with threonine at codon 463 of the ATM protein. Computational prediction suggests that this variant may not impact protein structure and function (internally defined REVEL score threshold <= 0.5, PMID: 27666373). To our knowledge, functional studies have not been reported for this variant. This variant has not been reported in individuals affected with ATM-related disorders in the literature. This variant has not been identified in the general population by the Genome Aggregation Database (gnomAD). The available evidence is insufficient to determine the role of this variant in disease conclusively. Therefore, this variant is classified as a Variant of Uncertain Significance.

Ambry Genetics
Classification: Uncertain significance for Hereditary cancer-predisposing syndrome. Last evaluated: 2021-03-02. Review status: criteria provided, single submitter. Criteria: Ambry Variant Classification Scheme 2023. Collection method: clinical testing. Allele origin: germline.

Natera, Inc.
Classification: Uncertain significance for Ataxia-telangiectasia. Last evaluated: 2021-04-21. Review status: no assertion criteria provided. Collection method: clinical testing. Allele origin: germline. Not counted in ClinVar's aggregate classification.